The following is an entry in ClinVar:

NM_006767.4(LZTR1):c.1993G>A (p.Glu665Lys)

Gene: LZTR1 (leucine zipper like post translational regulator 1; plus strand). Cytogenetic location: 22q11.21.
Variant type: single nucleotide variant.
Coding change: c.1993G>A on transcript NM_006767.4 (MANE Select); coding-DNA position 1993, G replaced by A.
Protein change: p.Glu665Lys; replaces glutamic acid 665 with lysine.
Molecular consequence: missense variant.
Genome position (GRCh38, 1-based): chr22:20,995,796, G>A. VCF-style: chr22-20995796-G-A. GRCh37 (hg19) VCF-style: chr22-21350085-G-A.
Other names: short protein forms E665K.
Identifiers: ClinVar variation 1784010 (VCV001784010.10), dbSNP rs890051054, ClinGen allele CA410779019.

ClinVar aggregate classification (germline): Uncertain significance. Review status: criteria provided, multiple submitters, no conflicts (2 of 4 stars). 3 submissions from 3 submitters: Uncertain significance (3). Last evaluated 2025-08-17.

Conditions:
LZTR1-related schwannomatosis. Also called: Schwannomatosis-2, susceptibility to; Schwannomatosis 2. Identifiers: Orphanet 93921, MedGen C3810283, MONDO:0014299, OMIM 615670.
Hereditary cancer-predisposing syndrome. Also called: Neoplastic Syndromes, Hereditary; Tumor predisposition; Hereditary Cancer Syndrome; Hereditary neoplastic syndrome. Identifiers: Orphanet 140162, MedGen C0027672, MeSH D009386, MONDO:0015356.
Cardiovascular phenotype. Identifiers: MedGen CN230736.

Submissions (3):

Labcorp Genetics (formerly Invitae), Labcorp
Classification: Uncertain significance. Last evaluated: 2025-08-17. Review status: criteria provided, single submitter. Criteria: Invitae Variant Classification Sherloc (09022015). Collection method: clinical testing. Allele origin: germline.
Comment: This sequence change replaces glutamic acid, which is acidic and polar, with lysine, which is basic and polar, at codon 665 of the LZTR1 protein (p.Glu665Lys). This variant is not present in population databases (gnomAD no frequency). This variant has not been reported in the literature in individuals affected with LZTR1-related conditions. ClinVar contains an entry for this variant (Variation ID: 1784010). Invitae Evidence Modeling of protein sequence and biophysical properties (such as structural, functional, and spatial information, amino acid conservation, physicochemical variation, residue mobility, and thermodynamic stability) indicates that this missense variant is not expected to disrupt LZTR1 protein function with a negative predictive value of 80%. In summary, the available evidence is currently insufficient to determine the role of this variant in disease. Therefore, it has been classified as a Variant of Uncertain Significance.

Ambry Genetics
Classification: Uncertain significance for Cardiovascular phenotype; Hereditary cancer-predisposing syndrome. Last evaluated: 2025-05-19. Review status: criteria provided, single submitter. Criteria: Ambry Variant Classification Scheme 2023. Collection method: clinical testing. Allele origin: germline.
Comment: The p.E665K variant (also known as c.1993G>A), located in coding exon 17 of the LZTR1 gene, results from a G to A substitution at nucleotide position 1993. The glutamic acid at codon 665 is replaced by lysine, an amino acid with similar properties. This amino acid position is well conserved in available vertebrate species. In addition, this alteration is predicted to be deleterious by in silico analysis. Based on the available evidence, the clinical significance of this variant remains unclear.

Baylor Genetics
Classification: Uncertain significance for LZTR1-related schwannomatosis. Last evaluated: 2023-05-10. Review status: criteria provided, single submitter. Criteria: ACMG Guidelines, 2015. Collection method: clinical testing. Allele origin: unknown.